The following is an entry in ClinVar:

ClinVar aggregate classification (germline): Conflicting classifications of pathogenicity. Review status: criteria provided, conflicting classifications (1 of 4 stars). 3 submissions from 3 submitters: Uncertain significance (2); Likely benign (1). Last evaluated 2026-04-29.

Conditions:
Hereditary cancer-predisposing syndrome. Also called: Neoplastic Syndromes, Hereditary; Tumor predisposition; Hereditary Cancer Syndrome; Hereditary neoplastic syndrome. Identifiers: Orphanet 140162, MedGen C0027672, MeSH D009386, MONDO:0015356.

Submissions (3):

Ambry Genetics
Classification: Uncertain significance for Hereditary cancer-predisposing syndrome. Last evaluated: 2026-04-29. Review status: criteria provided, single submitter. Criteria: Ambry Variant Classification Scheme 2023. Collection method: clinical testing. Allele origin: germline.
Comment: The p.E1120D variant (also known as c.3360A>C), located in coding exon 10 of the BRCA2 gene, results from an A to C substitution at nucleotide position 3360. The glutamic acid at codon 1120 is replaced by aspartic acid, an amino acid with highly similar properties. This amino acid position is well conserved in available vertebrate species. In addition, this alteration is predicted to be tolerated by in silico analysis. Based on the available evidence, the clinical significance of this variant remains unclear.

University of Washington Department of Laboratory Medicine, University of Washington
Classification: Likely benign for Hereditary cancer-predisposing syndrome. Last evaluated: 2023-03-23. Review status: criteria provided, single submitter. Criteria: Dines et al. (Genet Med. 2020). Collection method: curation. Allele origin: germline.
Comment: Missense variant in a coldspot region where missense variants are very unlikely to be pathogenic (PMID:31911673).

BRCA2 exon 11 coldspot. Reclassification based on statistical prior probability.

Color Diagnostics, LLC DBA Color Health
Classification: Uncertain significance for Hereditary cancer-predisposing syndrome. Last evaluated: 2020-10-05. Review status: criteria provided, single submitter. Criteria: ACMG Guidelines, 2015. Collection method: clinical testing. Allele origin: germline.
Comment: This missense variant replaces glutamic acid with aspartic acid at codon 1120 of the BRCA2 protein. Computational prediction suggests that this variant may not impact protein structure and function (internally defined REVEL score threshold <= 0.5, PMID: 27666373). To our knowledge, functional studies have not been reported for this variant. This variant has not been reported in individuals affected with hereditary cancer in the literature. This variant has not been identified in the general population by the Genome Aggregation Database (gnomAD). The available evidence is insufficient to determine the role of this variant in disease conclusively. Therefore, this variant is classified as a Variant of Uncertain Significance.

NM_000059.4(BRCA2):c.3360A>C (p.Glu1120Asp)

Gene: BRCA2 (BRCA2 DNA repair associated; plus strand). Cytogenetic location: 13q13.1.
Variant type: single nucleotide variant.
Coding change: c.3360A>C on transcript NM_000059.4 (MANE Select); coding-DNA position 3360, A replaced by C.
Protein change: p.Glu1120Asp; replaces glutamic acid 1120 with aspartic acid.
Molecular consequence: missense variant.
Genome position (GRCh38, 1-based): chr13:32,337,715, A>C. VCF-style: chr13-32337715-A-C. GRCh37 (hg19) VCF-style: chr13-32911852-A-C.
Other names: short protein forms E1120D.
Identifiers: ClinVar variation 1172252 (VCV001172252.5), dbSNP rs2137495828, ClinGen allele CA387776380.